The following is an entry in ClinVar:

NM_001754.5(RUNX1):c.233T>C (p.Met78Thr)

Gene: RUNX1 (RUNX family transcription factor 1; minus strand). Cytogenetic location: 21q22.12.
Variant type: single nucleotide variant.
Coding change: c.233T>C on transcript NM_001754.5 (MANE Select); coding-DNA position 233, T replaced by C.
Protein change: p.Met78Thr; replaces methionine 78 with threonine.
Molecular consequence: missense variant.
Genome position (GRCh38, 1-based): chr21:34,886,961, A>G on the plus strand (T>C on the coding strand, the complement: RUNX1 is on the minus strand). VCF-style: chr21-34886961-A-G. GRCh37 (hg19) VCF-style: chr21-36259258-A-G.
Other names: NM_001754.5(RUNX1):c.233T>C; p.Met78Thr; c.152T>C, p.Met51Thr (NM_001001890.3, NM_001122607.2); short protein forms M78T, M51T.
Identifiers: ClinVar variation 859484 (VCV000859484.10), dbSNP rs2058001205, ClinGen allele CA410203840.

ClinVar aggregate classification (germline): Uncertain significance. Review status: reviewed by expert panel (3 of 4 stars). 2 submissions from 2 submitters: Uncertain significance (1). 1 of the submissions does not count toward it. Last evaluated 2024-09-18.

Conditions:
Hereditary thrombocytopenia and hematologic cancer predisposition syndrome. Identifiers: Orphanet 71290, MedGen CN281654, MONDO:0011071.
Hereditary thrombocytopenia and hematological cancer predisposition syndrome associated with RUNX1. Also called: RUNX1 Familial Platelet Disorder with Associated Myeloid Malignancies; PLATELET DISORDER, ASPIRIN-LIKE; Familial Platelet Disorder with Propensity to Acute Myelogenous Leukemia; Familial thrombocytopenia with propensity to acute myelogenous leukemia. Identifiers: Orphanet 71290, MedGen C1832388, MeSH C563324, MONDO:0100083, OMIM 601399.

Submissions (2):

ClinGen Myeloid Malignancy Variant Curation Expert Panel
Classification: Uncertain significance for Hereditary thrombocytopenia and hematologic cancer predisposition syndrome. Last evaluated: 2024-09-18. Review status: reviewed by expert panel. Criteria: ClinGen MyeloMalig ACMG Specifications v2. Collection method: curation. Allele origin: germline. Inheritance: Autosomal dominant inheritance.
Comment: NM_001754.5(RUNX1):c.233T>C (p.Met78Thr) is a missense variant and is completely absent from all population databases with at least 20x coverage for RUNX1 (PM2_supporting). This missense variant has a REVEL score ≥ 0.88 (0.915) (PP3). The variant has not been reported in patients with familial platelet disorder with predisposition to hematologic malignancies in the literature, to the best of our knowledge. In summary, the clinical significance of this variant is uncertain. ACMG/AMP criteria applied, as specified by the Myeloid Malignancy Variant Curation Expert Panel for RUNX1: PM2_supporting, PP3

Labcorp Genetics (formerly Invitae), Labcorp
Classification: Uncertain significance for Hereditary thrombocytopenia and hematological cancer predisposition syndrome associated with RUNX1. Last evaluated: 2025-07-07. Review status: criteria provided, single submitter. Criteria: Invitae Variant Classification Sherloc (09022015). Collection method: clinical testing. Allele origin: germline. Not counted in ClinVar's aggregate classification.
Comment: This sequence change replaces methionine, which is neutral and non-polar, with threonine, which is neutral and polar, at codon 78 of the RUNX1 protein (p.Met78Thr). This variant is not present in population databases (gnomAD no frequency). This variant has not been reported in the literature in individuals affected with RUNX1-related conditions. ClinVar contains an entry for this variant (Variation ID: 859484). Invitae Evidence Modeling of protein sequence and biophysical properties (such as structural, functional, and spatial information, amino acid conservation, physicochemical variation, residue mobility, and thermodynamic stability) has been performed for this missense variant. However, the output from this modeling did not meet the statistical confidence thresholds required to predict the impact of this variant on RUNX1 protein function. In summary, the available evidence is currently insufficient to determine the role of this variant in disease. Therefore, it has been classified as a Variant of Uncertain Significance.